The following is an entry in ClinVar:

NM_024675.4(PALB2):c.211+19C>T

Gene: PALB2 (partner and localizer of BRCA2; minus strand). Cytogenetic location: 16p12.2.
Variant type: single nucleotide variant.
Coding change: c.211+19C>T on transcript NM_024675.4 (MANE Select); 19 bases into the intron after coding-DNA position 211, C replaced by T.
Molecular consequence: intron variant.
Genome position (GRCh38, 1-based): chr16:23,637,831, G>A on the plus strand (C>T on the coding strand, the complement: PALB2 is on the minus strand). VCF-style: chr16-23637831-G-A. GRCh37 (hg19) VCF-style: chr16-23649152-G-A.
Identifiers: ClinVar variation 492176 (VCV000492176.12), dbSNP rs1555462022, ClinGen allele CA658683928.

ClinVar aggregate classification (germline): Likely benign. Review status: criteria provided, multiple submitters, no conflicts (2 of 4 stars). 3 submissions from 3 submitters: Likely benign (3). Last evaluated 2025-11-17.

Conditions:
Hereditary cancer-predisposing syndrome. Also called: Hereditary neoplastic syndrome; Tumor predisposition; Hereditary Cancer Syndrome; Neoplastic Syndromes, Hereditary. Identifiers: Orphanet 140162, MedGen C0027672, MeSH D009386, MONDO:0015356.
Familial cancer of breast. Also called: Hereditary breast cancer; hereditary breast carcinoma; BREAST CANCER, FAMILIAL. Identifiers: Orphanet 227535, MedGen C0346153, MONDO:0016419, OMIM 114480. Disease mechanism: loss of function.

Submissions (3):

Labcorp Genetics (formerly Invitae), Labcorp
Classification: Likely benign for Familial cancer of breast. Last evaluated: 2025-11-17. Review status: criteria provided, single submitter. Criteria: Invitae Variant Classification Sherloc (09022015). Collection method: clinical testing. Allele origin: germline.

Color Diagnostics, LLC DBA Color Health
Classification: Likely benign for Hereditary cancer-predisposing syndrome. Last evaluated: 2017-11-06. Review status: criteria provided, single submitter. Criteria: ACMG Guidelines, 2015. Collection method: clinical testing. Allele origin: germline.

GeneDx
Classification: Likely benign. Last evaluated: 2017-04-28. Review status: criteria provided, single submitter. Criteria: GeneDx Variant Classification (06012015). Collection method: clinical testing. Allele origin: germline. Affected: yes.
Comment: This variant is considered likely benign or benign based on one or more of the following criteria: it is a conservative change, it occurs at a poorly conserved position in the protein, it is predicted to be benign by multiple in silico algorithms, and/or has population frequency not consistent with disease.